The following is an entry in ClinVar:

NC_000023.11:g.41772635_41895004del

Gene: CASK (calcium/calmodulin dependent serine protein kinase; minus strand). Cytogenetic location: Xp11.4.
Variant type: Deletion.
Identifiers: ClinVar variation 4690235 (VCV004690235.1).

ClinVar aggregate classification (germline): Likely pathogenic (1 of 4 stars; one submission).

Conditions:
Syndromic X-linked intellectual disability Najm type (MICPCH). Also called: Mental retardation and microcephaly with pontine and cerebellar hypoplasia; Intellectual Disability and Microcephaly with Pontine and Cerebellar Hypoplasia; MICPCH SYNDROME; Intellectual developmental disorder and microcephaly with pontine and cerebellar hypoplasia; MENTAL RETARDATION, X-LINKED, SYNDROMIC, NAJM TYPE; Intellectual Disability and Microcephaly with Pontine and Cerebellar Hypoplasia (MICPCH). Identifiers: Orphanet 163937, MedGen C2677903, MONDO:0010417, OMIM 300749.

Submission:

Ozbek Human Genetics Laboratory, Izmir Biomedicine and Genome Center
Classification: Likely pathogenic for Syndromic X-linked intellectual disability Najm type. Review status: criteria provided, single submitter. Criteria: ACMG Guidelines, 2015. Collection method: research. Allele origin: germline. Inheritance: X-linked inheritance. Affected: yes. Observed: 1 hemizygote.
Comment: A hemizygous deletion encompassing exons 2 and 3 of the CASK gene (ENST00000644347.1) was detected. This deletion involves the coding region of exons 2 and 3 within the transcript of the CASK gene expressed in the central nervous system and is predicted to disrupt protein structure (2E). While this deletion is absent from the DGV and gnomAD databases, other deletions with significant overlap in this region have been reported as pathogenic in DECIPHER (4L). Based on these findings, this variant is classified as Likely Pathogenic according to ACMG criteria. The CASK gene is associated with 'Intellectual developmental disorder and microcephaly with pontine and cerebellar hypoplasia' in the OMIM database. Data obtained via the RAREBOOST project (Horizon 2020 ERA Chairs at Izmir Biomedicine and Genome Center - IBG).